The following is an entry in ClinVar:

ClinVar aggregate classification (germline): Pathogenic. Review status: criteria provided, multiple submitters, no conflicts (2 of 4 stars). 7 submissions from 7 submitters: Pathogenic (6). 1 of the submissions does not count toward it. Last evaluated 2025-12-09.

Conditions:
GNE myopathy (NM). Also called: IBM 2; Inclusion body myopathy autosomal recessive; Inclusion body myopathy quadriceps sparing; INCLUSION BODY MYOPATHY, HEREDITARY, AUTOSOMAL RECESSIVE; NONAKA DISTAL MYOPATHY; INCLUSION BODY MYOPATHY 2, AUTOSOMAL RECESSIVE. Identifiers: Orphanet 602, MedGen C1853926, MONDO:0011603, OMIM 605820.
Sialuria. Also called: SIALURIA, FRENCH TYPE; Sialic Acid Storage Disease. Identifiers: Orphanet 3166, MedGen C0342853, MONDO:0010028, OMIM 269921.
GNE-related disorders.
Thrombocytopenia 12 with or without myopathy (THC12). Identifiers: MedGen C5935593, MONDO:0958325, OMIM 620757.

Allele frequency attached by ClinVar (database versions not stated): gnomAD 0.00003; TOPMed 0.00001.

Submissions (7):

Natera, Inc.
Classification: Pathogenic for Nonaka myopathy. Last evaluated: 2025-12-09. Review status: criteria provided, single submitter. Criteria: Natera Variant Classification Schema (03/2026). Collection method: clinical testing. Allele origin: germline.
Comment: The c.1009C>T variant in GNE is a nonsense variant predicted to introduce a stop codon at amino acid 337. This variant is expected to result in nonsense mediated decay, truncation, or a dysfunctional protein product. This variant is rare in the general population with a frequency below the threshold expected for the associated phenotype(s). This variant has been observed in one or more individuals affected with the associated recessive disease, as either homozygous or compound heterozygous with a second variant (PMID: 29480215, 25986339). Given the available evidence, this variant is classified as Pathogenic.

Fulgent Genetics
Classification: Pathogenic for Sialuria; GNE myopathy; Thrombocytopenia 12 with or without myopathy. Last evaluated: 2024-03-15. Review status: criteria provided, single submitter. Criteria: ACMG Guidelines, 2015. Collection method: clinical testing. Allele origin: germline.

Baylor Genetics
Classification: Pathogenic for GNE myopathy. Last evaluated: 2023-12-22. Review status: criteria provided, single submitter. Criteria: ACMG Guidelines, 2015. Collection method: clinical testing. Allele origin: unknown.

Labcorp Genetics (formerly Invitae), Labcorp
Classification: Pathogenic for Sialuria; GNE myopathy. Last evaluated: 2023-10-20. Review status: criteria provided, single submitter. Criteria: Invitae Variant Classification Sherloc (09022015). Collection method: clinical testing. Allele origin: germline.
Comment: This sequence change creates a premature translational stop signal (p.Arg337*) in the GNE gene. It is expected to result in an absent or disrupted protein product. Loss-of-function variants in GNE are known to be pathogenic (PMID: 24027297). The frequency data for this variant in the population databases is considered unreliable, as metrics indicate poor data quality at this position in the gnomAD database. This premature translational stop signal has been observed in individuals with autosomal recessive GNE myopathy (PMID: 25986339, 29480215). This variant is also known as p.Arg306*. ClinVar contains an entry for this variant (Variation ID: 370285). For these reasons, this variant has been classified as Pathogenic.

Blueprint Genetics
Classification: Pathogenic for GNE-related disorders. Last evaluated: 2022-12-16. Review status: criteria provided, single submitter. Criteria: ACMG Guidelines, 2015. Collection method: clinical testing. Allele origin: germline. Affected: yes. Observed: 1 variant allele.

Revvity Omics, Revvity
Classification: Pathogenic. Last evaluated: 2020-10-28. Review status: criteria provided, single submitter. Criteria: ACMG Guidelines, 2015. Collection method: clinical testing. Allele origin: germline.

Counsyl
Classification: Likely pathogenic for GNE myopathy. Last evaluated: 2016-01-04. Review status: no assertion criteria provided. Collection method: clinical testing. Allele origin: unknown. Not counted in ClinVar's aggregate classification.

Literature cited by the submitters: PubMed 29480215 (cited by Natera, Inc. and Labcorp Genetics (formerly Invitae), Labcorp); PubMed 25986339 (cited by 3 submitters); PubMed 24027297 (cited by Labcorp Genetics (formerly Invitae), Labcorp).

NM_005476.7(GNE):c.916C>T (p.Arg306Ter)

Gene: GNE (glucosamine (UDP-N-acetyl)-2-epimerase/N-acetylmannosamine kinase; minus strand). Cytogenetic location: 9p13.3.
Variant type: single nucleotide variant.
Coding change: c.916C>T on transcript NM_005476.7 (MANE Select); coding-DNA position 916, C replaced by T.
Protein change: p.Arg306Ter; replaces arginine 306 with a stop codon.
Molecular consequence: nonsense.
Genome position (GRCh38, 1-based): chr9:36,233,986, G>A on the plus strand (C>T on the coding strand, the complement: GNE is on the minus strand). VCF-style: chr9-36233986-G-A. GRCh37 (hg19) VCF-style: chr9-36233983-G-A.
Other names: c.1009C>T, p.Arg337Ter (NM_001128227.3); c.916C>T, p.Arg306Ter (NM_001190383.3); c.586C>T, p.Arg196Ter (NM_001190384.3); c.739C>T, p.Arg247Ter (NM_001190388.2, NM_001374798.1); c.763C>T, p.Arg255Ter (NM_001374797.1); short protein forms R337*, R306*, R196*, R247*, R255*.
Identifiers: ClinVar variation 370285 (VCV000370285.22), dbSNP rs1057516374, ClinGen allele CA16041318.
Genomic context (GRCh38, chr9:36,233,986, plus strand): 5'-CTCTTCCAATCTGACGTGTTCCCAGGTTGATCACAGGTGTTCCAAAAGCTCCAACTTCTC[G>A]AACCCCACAGCTGCTGTTCCCAATCATACAGCCAGCATGGGCAACCAACTGTATAAACTG-3'